The following is an entry in ClinVar:

ClinVar aggregate classification (germline): Uncertain significance (1 of 4 stars; one submission).

Allele frequency attached by ClinVar (database versions not stated): gnomAD exomes 0.00001; TOPMed 0.00005.
gnomAD v4.1: 11 of 1,210,508 alleles (0.00091%); highest among the groups gnomAD compares: African/African-American, 0.007%; no homozygotes.

Submission:

Labcorp Genetics (formerly Invitae), Labcorp
Classification: Uncertain significance. Last evaluated: 2025-12-15. Review status: criteria provided, single submitter. Criteria: Invitae Variant Classification Sherloc (09022015). Collection method: clinical testing. Allele origin: germline.
Comment: This sequence change replaces aspartic acid, which is acidic and polar, with asparagine, which is neutral and polar, at codon 422 of the CACNA1F protein (p.Asp422Asn). This variant is not present in population databases (gnomAD no frequency). This variant has not been reported in the literature in individuals affected with CACNA1F-related conditions. ClinVar contains an entry for this variant (Variation ID: 1915749). An algorithm developed to predict the effect of missense changes on protein structure and function (PolyPhen-2) suggests that this variant is likely to be disruptive. In summary, the available evidence is currently insufficient to determine the role of this variant in disease. Therefore, it has been classified as a Variant of Uncertain Significance.

NM_001256789.3(CACNA1F):c.1264G>A (p.Asp422Asn)

Gene: CACNA1F (calcium voltage-gated channel subunit alpha1 F; minus strand). Cytogenetic location: Xp11.23.
Variant type: single nucleotide variant.
Coding change: c.1264G>A on transcript NM_001256789.3 (MANE Select); coding-DNA position 1264, G replaced by A.
Protein change: p.Asp422Asn; replaces aspartic acid 422 with asparagine.
Molecular consequence: missense variant.
Genome position (GRCh38, 1-based): chrX:49,226,982, C>T on the plus strand (G>A on the coding strand, the complement: CACNA1F is on the minus strand). VCF-style: chrX-49226982-C-T. GRCh37 (hg19) VCF-style: chrX-49083444-C-T.
Other names: c.1069G>A, p.Asp357Asn (NM_001256790.3); c.1264G>A, p.Asp422Asn (NM_005183.4); short protein forms D357N, D422N.
Identifiers: ClinVar variation 1915749 (VCV001915749.5), dbSNP rs781801713, ClinGen allele CA329123822.